The following is an entry in ClinVar:

ClinVar aggregate classification (germline): Uncertain significance. Review status: criteria provided, multiple submitters, no conflicts (2 of 4 stars). 2 submissions from 2 submitters: Uncertain significance (2). Last evaluated 2025-01-11.

Conditions:
Cardiovascular phenotype. Identifiers: MedGen CN230736.
Hypertrophic cardiomyopathy 2. Also called: TNNT2-Related Familial Hypertrophic Cardiomyopathy. Identifiers: MedGen C1861864, MONDO:0007266, OMIM 115195.
Dilated cardiomyopathy 1D. Identifiers: Orphanet 154, Orphanet 54260, MedGen C1832243, MONDO:0011095, OMIM 601494.
Cardiomyopathy, familial restrictive, 3. Identifiers: Orphanet 75249, MedGen C2676271, MONDO:0012900, OMIM 612422.

Submissions (2):

Ambry Genetics
Classification: Uncertain significance for Cardiovascular phenotype. Last evaluated: 2025-01-11. Review status: criteria provided, single submitter. Criteria: Ambry Variant Classification Scheme 2023. Collection method: clinical testing. Allele origin: germline.
Comment: The p.L74W variant (also known as c.221T>G), located in coding exon 7 of the TNNT2 gene, results from a T to G substitution at nucleotide position 221. The leucine at codon 74 is replaced by tryptophan, an amino acid with similar properties. This amino acid position is conserved. In addition, this alteration is predicted to be deleterious by in silico analysis. Based on the available evidence, the clinical significance of this variant remains unclear.

Labcorp Genetics (formerly Invitae), Labcorp
Classification: Uncertain significance for Cardiomyopathy, familial restrictive, 3; Hypertrophic cardiomyopathy 2; Dilated cardiomyopathy 1D. Last evaluated: 2023-11-24. Review status: criteria provided, single submitter. Criteria: Invitae Variant Classification Sherloc (09022015). Collection method: clinical testing. Allele origin: germline.
Comment: This sequence change replaces leucine, which is neutral and non-polar, with tryptophan, which is neutral and slightly polar, at codon 74 of the TNNT2 protein (p.Leu74Trp). This variant is not present in population databases (gnomAD no frequency). This variant has not been reported in the literature in individuals affected with TNNT2-related conditions. Advanced modeling of protein sequence and biophysical properties (such as structural, functional, and spatial information, amino acid conservation, physicochemical variation, residue mobility, and thermodynamic stability) performed at Invitae indicates that this missense variant is expected to disrupt TNNT2 protein function with a positive predictive value of 95%. In summary, the available evidence is currently insufficient to determine the role of this variant in disease. Therefore, it has been classified as a Variant of Uncertain Significance.

NM_001276345.2(TNNT2):c.251T>G (p.Leu84Trp)

Gene: TNNT2 (troponin T2, cardiac type; minus strand). Cytogenetic location: 1q32.1.
Variant type: single nucleotide variant.
Coding change: c.251T>G on transcript NM_001276345.2 (MANE Select); coding-DNA position 251, T replaced by G.
Protein change: p.Leu84Trp; replaces leucine 84 with tryptophan.
Molecular consequence: missense variant.
Genome position (GRCh38, 1-based): chr1:201,365,653, A>C on the plus strand (T>G on the coding strand, the complement: TNNT2 is on the minus strand). VCF-style: chr1-201365653-A-C. GRCh37 (hg19) VCF-style: chr1-201334781-A-C.
Other names: c.251T>G, p.Leu84Trp (NM_000364.4, NM_001406723.1); c.221T>G, p.Leu74Trp (NM_001001430.3, NM_001001431.3, NM_001276347.2 and 3 more transcripts); c.206T>G, p.Leu69Trp (NM_001001432.3, NM_001406728.1); c.248T>G, p.Leu83Trp (NM_001276346.2); c.218T>G, p.Leu73Trp (NM_001406725.1); c.221T>G (NM_001001430.1); short protein forms L74W, L84W, L69W, L73W, L83W.
Identifiers: ClinVar variation 2954136 (VCV002954136.4), dbSNP rs2527026783, ClinGen allele CA344206711.
Genomic context (GRCh38, chr1:201,365,653, plus strand): 5'-CCACAGCCACCGCTTACATCAAAGTCCACTCTCTCTCCATCGGGGATCTTGGGAGGCACC[A>C]AGTTGGGCATGAACGACCTGTTGGAGAGAGGAATAGTCAGCATCAGCCCCATTCTGGACC-3'
Protein context (NP_001263274.1, residues 74-94): KPKPRSFMPN[Leu84Trp]VPPKIPDGER